The following is an entry in ClinVar:

NM_032802.4(SPPL2A):c.1090-7A>G

Gene: SPPL2A (signal peptide peptidase like 2A; minus strand). Cytogenetic location: 15q21.2.
Variant type: single nucleotide variant.
Coding change: c.1090-7A>G on transcript NM_032802.4 (MANE Select); 7 bases into the intron before coding-DNA position 1090, A replaced by G.
Molecular consequence: intron variant.
Genome position (GRCh38, 1-based): chr15:50,726,384, T>C on the plus strand (A>G on the coding strand, the complement: SPPL2A is on the minus strand). VCF-style: chr15-50726384-T-C. GRCh37 (hg19) VCF-style: chr15-51018581-T-C.
Identifiers: ClinVar variation 2906037 (VCV002906037.3), dbSNP rs951952990, ClinGen allele CA270506244.

ClinVar aggregate classification (germline): Uncertain significance (1 of 4 stars; one submission).

Allele frequency attached by ClinVar (database versions not stated): gnomAD exomes below 0.00001; TOPMed 0.00001.

Submission:

Labcorp Genetics (formerly Invitae), Labcorp
Classification: Uncertain significance. Last evaluated: 2024-01-15. Review status: criteria provided, single submitter. Criteria: Invitae Variant Classification Sherloc (09022015). Collection method: clinical testing. Allele origin: germline.
Comment: This sequence change falls in intron 10 of the SPPL2A gene. It does not directly change the encoded amino acid sequence of the SPPL2A protein. This variant is present in population databases (no rsID available, gnomAD 0.0009%). This variant has not been reported in the literature in individuals affected with SPPL2A-related conditions. Algorithms developed to predict the effect of sequence changes on RNA splicing suggest that this variant may disrupt the consensus splice site. In summary, the available evidence is currently insufficient to determine the role of this variant in disease. Therefore, it has been classified as a Variant of Uncertain Significance.